The following is an entry in ClinVar:

ClinVar aggregate classification (germline): Uncertain significance. Review status: criteria provided, multiple submitters, no conflicts (2 of 4 stars). 2 submissions from 2 submitters: Uncertain significance (2). Last evaluated 2025-06-09.

Allele frequency attached by ClinVar (database versions not stated): ExAC 0.00001.

Submissions (2):

Ambry Genetics
Classification: Uncertain significance. Last evaluated: 2025-06-09. Review status: criteria provided, single submitter. Criteria: Ambry Variant Classification Scheme 2023. Collection method: clinical testing. Allele origin: germline.

Labcorp Genetics (formerly Invitae), Labcorp
Classification: Uncertain significance. Last evaluated: 2022-08-22. Review status: criteria provided, single submitter. Criteria: Invitae Variant Classification Sherloc (09022015). Collection method: clinical testing. Allele origin: germline.
Comment: This sequence change replaces glutamic acid, which is acidic and polar, with glutamine, which is neutral and polar, at codon 22 of the ICOSLG protein (p.Glu22Gln). This variant is present in population databases (rs779188099, gnomAD 0.01%). This variant has not been reported in the literature in individuals affected with ICOSLG-related conditions. Algorithms developed to predict the effect of missense changes on protein structure and function are either unavailable or do not agree on the potential impact of this missense change (SIFT: "Tolerated"; PolyPhen-2: "Possibly Damaging"; Align-GVGD: "Class C0"). In summary, the available evidence is currently insufficient to determine the role of this variant in disease. Therefore, it has been classified as a Variant of Uncertain Significance.

NM_015259.6(ICOSLG):c.64G>C (p.Glu22Gln)

Gene: ICOSLG (inducible T cell costimulator ligand; minus strand). Cytogenetic location: 21q22.3.
Variant type: single nucleotide variant.
Coding change: c.64G>C on transcript NM_015259.6 (MANE Select); coding-DNA position 64, G replaced by C.
Protein change: p.Glu22Gln; replaces glutamic acid 22 with glutamine.
Molecular consequence: missense variant. On other transcripts: 5 prime UTR variant (1), intron variant (2).
Genome position (GRCh38, 1-based): chr21:44,237,209, C>G on the plus strand (G>C on the coding strand, the complement: ICOSLG is on the minus strand). VCF-style: chr21-44237209-C-G. GRCh37 (hg19) VCF-style: chr21-45657092-C-G.
Other names: c.64G>C (NM_015259.4); c.64G>C, p.Glu22Gln (NM_001283050.2, NM_001395918.1); c.-18G>C (NM_001365759.2); c.55+1239G>C (NM_001283051.2); c.-48-144G>C (NM_001283052.2); short protein forms E22Q.
Identifiers: ClinVar variation 1932490 (VCV001932490.6), dbSNP rs779188099, ClinGen allele CA321498509.